The following is an entry in ClinVar:

NM_213599.3(ANO5):c.2503_2505del (p.Phe835del)

Gene: ANO5 (anoctamin 5; plus strand). Cytogenetic location: 11p14.3.
Variant type: Deletion.
Coding change: c.2503_2505del on transcript NM_213599.3 (MANE Select); coding-DNA positions 2503 to 2505, 3 bases deleted (TTC; older notation c.2503_2505delTTC).
Protein change: p.Phe835del; deletes phenylalanine 835.
Molecular consequence: inframe deletion.
Genome position (GRCh38, 1-based): chr11:22,276,182-22,276,184, TTC deleted; deleting any 3 consecutive bases within chr11:22,276,181-22,276,184 gives the same sequence; the c. name uses the placement nearest the transcript's 3' end. VCF-style (leftmost placement, unchanged base first): chr11-22276180-CCTT-C. GRCh37 (hg19) VCF-style: chr11-22297726-CCTT-C.
Other names: NM_213599.3(ANO5):c.2503_2505del; p.Phe835del; c.2503_2505delTTC (NM_213599.2); c.2500_2502del, p.Phe834del (NM_001142649.2); short protein forms F835del, F834del.
Identifiers: ClinVar variation 195634 (VCV000195634.58), dbSNP rs794727350, ClinGen allele CA242118.

ClinVar aggregate classification (germline): Likely pathogenic. Review status: reviewed by expert panel (3 of 4 stars). 4 submissions from 4 submitters: Likely pathogenic (1). 3 of the submissions do not count toward it. Last evaluated 2025-01-07.

Conditions:
Autosomal recessive limb-girdle muscular dystrophy type 2L (LGMDR12). Also called: Limb-girdle muscular dystrophy, type 2L; MUSCULAR DYSTROPHY, LIMB-GIRDLE, AUTOSOMAL RECESSIVE 12; Limb-Girdle Muscular Dystrophy R12 Anoctamin-5-Related (LGMD-R12). Identifiers: Orphanet 206549, MedGen C1969785, MONDO:0012652, OMIM 611307.
Gnathodiaphyseal dysplasia (GDD). Also called: OSTEOGENESIS IMPERFECTA WITH UNUSUAL SKELETAL LESIONS; GNATHODIAPHYSEAL SCLEROSIS. Identifiers: Orphanet 53697, MedGen C1833736, MONDO:0008151, OMIM 166260.
Autosomal recessive limb-girdle muscular dystrophy. Identifiers: Orphanet 102015, MedGen C2931907, MONDO:0015152.

Submissions (4):

ClinGen Limb Girdle Muscular Dystrophy Variant Curation Expert Panel, ClinGen
Classification: Likely pathogenic for Autosomal recessive limb-girdle muscular dystrophy. Last evaluated: 2025-01-07. Review status: reviewed by expert panel. Criteria: ClinGen LGMD VCEP ACMG Specifications ANO5 V1.0.0. Collection method: curation. Allele origin: germline. Inheritance: Autosomal recessive inheritance.
Comment: The NM_213599.3: c.2503_2505del variant in ANO5 is predicted to cause a change in the length of the protein due to an in-frame deletion of one amino acid in a non-repeat region, p.(Phe835del) (PM4). This variant has been detected with a pathogenic ANO5 variant in at least four individuals with LGMD, including confirmed in trans in one patient (c.191dup, 1 pt, ClinVar SCV000767093.6 internal data communication) and in unknown phase in two patients (c.2018A>G p.(Tyr673Cys), 0.5 pts, ClinVar SCV000767093.6 internal data communication; c.191dup, 0.5 pts, ClinVar SCV000574876.19 internal data communication) (PM3_Strong). At least one patient with this variant displayed progressive limb girdle muscle weakness (PP4). The filtering allele frequency of this variant is 0.000017531 (the upper threshold of the 95% CI of 12/1109046 exome chromosomes) in the European (non-Finnish) population in gnomAD v4.1.0, which is less than the ClinGen LGMD threshold ≤0.0001 for PM2_Supporting, meeting this criterion (PM2_Supporting). In summary, this variant meets the criteria to be classified as Likely Pathogenic for autosomal recessive limb girdle muscular dystrophy based on the ACMG/AMP criteria applied, as specified by the ClinGen LGMD VCEP (LGMD VCEP specifications version 1.0.0; 01/07/2025): PM4, PM3_Strong, PP4, PM2_Supporting.

Labcorp Genetics (formerly Invitae), Labcorp
Classification: Likely pathogenic for Autosomal recessive limb-girdle muscular dystrophy type 2L; Gnathodiaphyseal dysplasia. Last evaluated: 2025-10-27. Review status: criteria provided, single submitter. Criteria: Invitae Variant Classification Sherloc (09022015). Collection method: clinical testing. Allele origin: germline. Not counted in ClinVar's aggregate classification.
Comment: This variant, c.2503_2505del, results in the deletion of 1 amino acid(s) of the ANO5 protein (p.Phe835del), but otherwise preserves the integrity of the reading frame. This variant is present in population databases (rs765340468, gnomAD 0.004%). This variant has been observed in individual(s) with clinical features of limb-girdle muscular dystrophy (internal data). In at least one individual the data is consistent with being in trans (on the opposite chromosome) from a pathogenic variant. ClinVar contains an entry for this variant (Variation ID: 195634). In summary, the currently available evidence indicates that the variant is pathogenic, but additional data are needed to prove that conclusively. Therefore, this variant has been classified as Likely Pathogenic.

CeGaT Center for Human Genetics Tuebingen
Classification: Uncertain significance. Last evaluated: 2018-02-01. Review status: criteria provided, single submitter. Criteria: CeGaT Center For Human Genetics Tuebingen Variant Classification Criteria Version 2. Collection method: clinical testing. Allele origin: germline. Affected: yes. Observed: 2 variant alleles. Not counted in ClinVar's aggregate classification.

Eurofins Ntd Llc (ga)
Classification: Likely pathogenic. Last evaluated: 2017-04-12. Review status: criteria provided, single submitter. Criteria: EGL Classification Definitions. Collection method: clinical testing. Allele origin: germline. Observed: 3 variant alleles, 3 heterozygotes. Not counted in ClinVar's aggregate classification.